The following is an entry in ClinVar:

NM_002137.4(HNRNPA2B1):c.745G>A (p.Gly249Ser)

Gene: HNRNPA2B1 (heterogeneous nuclear ribonucleoprotein A2/B1; minus strand). Cytogenetic location: 7p15.2.
Variant type: single nucleotide variant.
Coding change: c.745G>A on transcript NM_002137.4 (MANE Select); coding-DNA position 745, G replaced by A.
Protein change: p.Gly249Ser; replaces glycine 249 with serine.
Molecular consequence: missense variant.
Genome position (GRCh38, 1-based): chr7:26,193,671, C>T on the plus strand (G>A on the coding strand, the complement: HNRNPA2B1 is on the minus strand). VCF-style: chr7-26193671-C-T. GRCh37 (hg19) VCF-style: chr7-26233291-C-T.
Other names: c.781G>A, p.Gly261Ser (NM_031243.4); short protein forms G261S, G249S.
Identifiers: ClinVar variation 1500986 (VCV001500986.10), dbSNP rs375157988, ClinGen allele CA4194469.
Genomic context (GRCh38, chr7:26,193,671, plus strand): 5'-CACCCTGGTTGCCATATCCAGGTCCTCCACCACCATATCCTCCTCTTCCTCCTCCATAAC[C>T]GGGGCTACCTCCAAAATTGCCACCTATTATAAAATAAGCCTTTAAGTAATCACTTAATAT-3'
Protein context (NP_002128.1, residues 239-259): PGGGNFGGSP[Gly249Ser]YGGGRGGYGG

ClinVar aggregate classification (germline): Uncertain significance. Review status: criteria provided, multiple submitters, no conflicts (2 of 4 stars). 2 submissions from 2 submitters: Uncertain significance (2). Last evaluated 2024-11-04.

Conditions:
Inclusion body myopathy with early-onset Paget disease with or without frontotemporal dementia 2 (IBMPFD2). Also called: MULTISYSTEM PROTEINOPATHY 2. Identifiers: MedGen C3809468, MONDO:0014178, OMIM 615422.

Allele frequency attached by ClinVar (database versions not stated): ExAC 0.00001; gnomAD exomes 0.00001; gnomAD 0.00003 and 0.00004; TOPMed 0.00006; ESP Exome Variant Server 0.00008.
gnomAD v4.1: 28 of 1,612,190 alleles (0.0017%); highest among the groups gnomAD compares: African/African-American, 0.008%; no homozygotes.

Submissions (2):

Labcorp Genetics (formerly Invitae), Labcorp
Classification: Uncertain significance for Inclusion body myopathy with early-onset Paget disease with or without frontotemporal dementia 2. Last evaluated: 2024-11-04. Review status: criteria provided, single submitter. Criteria: Invitae Variant Classification Sherloc (09022015). Collection method: clinical testing. Allele origin: germline.
Comment: This sequence change replaces glycine, which is neutral and non-polar, with serine, which is neutral and polar, at codon 261 of the HNRNPA2B1 protein (p.Gly261Ser). This variant is present in population databases (rs375157988, gnomAD 0.003%). This variant has not been reported in the literature in individuals affected with HNRNPA2B1-related conditions. ClinVar contains an entry for this variant (Variation ID: 1500986). Invitae Evidence Modeling of protein sequence and biophysical properties (such as structural, functional, and spatial information, amino acid conservation, physicochemical variation, residue mobility, and thermodynamic stability) indicates that this missense variant is not expected to disrupt HNRNPA2B1 protein function with a negative predictive value of 80%. In summary, the available evidence is currently insufficient to determine the role of this variant in disease. Therefore, it has been classified as a Variant of Uncertain Significance.

Revvity Omics, Revvity
Classification: Uncertain significance. Last evaluated: 2020-02-20. Review status: criteria provided, single submitter. Criteria: ACMG Guidelines, 2015. Collection method: clinical testing. Allele origin: germline.